The following is an entry in ClinVar:

NC_000015.9:g.(?_51856302)_(51914742_?)dup

Gene: DMXL2 (Dmx like 2; minus strand). Cytogenetic location: 15q21.2.
Variant type: Duplication.
Identifiers: ClinVar variation 2423933 (VCV002423933.4).

ClinVar aggregate classification (germline): Uncertain significance (1 of 4 stars; one submission).

Submission:

Labcorp Genetics (formerly Invitae), Labcorp
Classification: Uncertain significance. Last evaluated: 2022-05-24. Review status: criteria provided, single submitter. Criteria: Invitae Variant Classification Sherloc (09022015). Collection method: clinical testing. Allele origin: germline.
Comment: This variant results in a copy number gain of the genomic region encompassing exon(s) 1-5 of the DMXL2 gene. This region includes the initiator codon of the gene. This copy number gain extends beyond the assayed region for this gene and therefore may encompass additional genes. As the precise location of this event is unknown, it may be in tandem or it may be located elsewhere in the genome. This variant has not been reported in the literature in individuals affected with DMXL2-related conditions. Experimental studies and prediction algorithms are not available or were not evaluated, and the functional significance of this variant is currently unknown. In summary, the available evidence is currently insufficient to determine the role of this variant in disease. Therefore, it has been classified as a Variant of Uncertain Significance.